The following is an entry in ClinVar:

ClinVar aggregate classification (germline): Uncertain significance (1 of 4 stars; one submission).

Submission:

Labcorp Genetics (formerly Invitae), Labcorp
Classification: Uncertain significance. Last evaluated: 2025-04-26. Review status: criteria provided, single submitter. Criteria: Invitae Variant Classification Sherloc (09022015). Collection method: clinical testing. Allele origin: germline.
Comment: This sequence change replaces glycine, which is neutral and non-polar, with valine, which is neutral and non-polar, at codon 334 of the RPH3A protein (p.Gly334Val). This variant is not present in population databases (gnomAD no frequency). This variant has not been reported in the literature in individuals affected with RPH3A-related conditions. ClinVar contains an entry for this variant (Variation ID: 3681029). Invitae Evidence Modeling of protein sequence and biophysical properties (such as structural, functional, and spatial information, amino acid conservation, physicochemical variation, residue mobility, and thermodynamic stability) indicates that this missense variant is not expected to disrupt RPH3A protein function with a negative predictive value of 80%. In summary, the available evidence is currently insufficient to determine the role of this variant in disease. Therefore, it has been classified as a Variant of Uncertain Significance.

NM_001143854.2(RPH3A):c.1001G>T (p.Gly334Val)

Gene: RPH3A (rabphilin 3A; plus strand). Cytogenetic location: 12q24.13.
Variant type: single nucleotide variant.
Coding change: c.1001G>T on transcript NM_001143854.2 (MANE Select); coding-DNA position 1001, G replaced by T.
Protein change: p.Gly334Val; replaces glycine 334 with valine.
Molecular consequence: missense variant. On other transcripts: non-coding transcript variant (2).
Genome position (GRCh38, 1-based): chr12:112,876,696, G>T. VCF-style: chr12-112876696-G-T. GRCh37 (hg19) VCF-style: chr12-113314501-G-T.
Other names: c.1001G>T, p.Gly334Val (NM_001347952.2, NM_001347953.1, NM_001347954.2); c.800G>T, p.Gly267Val (NM_001347955.2); c.989G>T, p.Gly330Val (NM_014954.4); short protein forms G330V, G334V, G267V.
Identifiers: ClinVar variation 3681029 (VCV003681029.2).